The following is an entry in ClinVar:

ClinVar aggregate classification (germline): Likely benign (1 of 4 stars; one submission).

Allele frequency attached by ClinVar (database versions not stated): gnomAD exomes 0.00012; gnomAD 0.00018; ESP Exome Variant Server 0.00019; TOPMed 0.00019; ExAC 0.00023.
gnomAD v4.1: 146 of 1,210,575 alleles (0.012%); highest among the groups gnomAD compares: Non-Finnish European, 0.016%; no homozygotes.

Submission:

CeGaT Center for Human Genetics Tuebingen
Classification: Likely benign. Last evaluated: 2022-10-01. Review status: criteria provided, single submitter. Criteria: CeGaT Center For Human Genetics Tuebingen Variant Classification Criteria Version 2. Collection method: clinical testing. Allele origin: germline. Affected: yes. Observed: 1 variant allele.
Comment: GPRASP1: BP4, BP7

NM_001184727.2(GPRASP1):c.972G>A (p.Gly324=)

Genes: ARMCX5-GPRASP2 (ARMCX5-GPRASP2 readthrough; plus strand), GPRASP1 (G protein-coupled receptor associated sorting protein 1; plus strand). Cytogenetic location: Xq22.1.
Variant type: single nucleotide variant.
Coding change: c.972G>A on transcript NM_001184727.2 (MANE Select); coding-DNA position 972, G replaced by A.
Protein change: p.Gly324=; no amino-acid change (glycine 324 retained).
Molecular consequence: synonymous variant. On other transcripts: intron variant (2).
Genome position (GRCh38, 1-based): chrX:102,654,885, G>A. VCF-style: chrX-102654885-G-A. GRCh37 (hg19) VCF-style: chrX-101909813-G-A.
Other names: c.972G>A, p.Gly324= (NM_001099410.2, NM_001099411.2, NM_014710.5); c.-480+49232G>A (NM_001199818.1); c.-966+49232G>A (NM_001350268.2).
Identifiers: ClinVar variation 2661080 (VCV002661080.24), dbSNP rs199860317, ClinGen allele CA10476080.